The following is an entry in ClinVar:

NM_000091.5(COL4A3):c.324+1G>A

Genes: COL4A3 (collagen type IV alpha 3 chain; plus strand), MFF-DT (MFF divergent transcript; minus strand). Cytogenetic location: 2q36.3.
Variant type: single nucleotide variant.
Coding change: c.324+1G>A on transcript NM_000091.5 (MANE Select); the canonical splice donor site of the intron after coding-DNA position 324, G replaced by A.
Molecular consequence: splice donor variant.
Genome position (GRCh38, 1-based): chr2:227,244,996, G>A. VCF-style: chr2-227244996-G-A. GRCh37 (hg19) VCF-style: chr2-228109712-G-A.
Other names: c.324+1G>A (NM_000091.4).
Identifiers: ClinVar variation 1465966 (VCV001465966.12), dbSNP rs2125906801, ClinGen allele CA350861000.

ClinVar aggregate classification (germline): Likely pathogenic. Review status: criteria provided, multiple submitters, no conflicts (2 of 4 stars). 4 submissions from 4 submitters: Likely pathogenic (4). Last evaluated 2025-07-15.

Conditions:
Alport syndrome. Also called: Hemorrhagic familial nephritis; Hemorrhagic hereditary nephritis; Congenital hereditary hematuria. Identifiers: Orphanet 63, MedGen C1567741, MONDO:0018965.
Autosomal dominant Alport syndrome (ATS3A). Also called: Alport syndrome dominant type; Renal failure and sensorineural hearing loss; ALPORT SYNDROME 3A, AUTOSOMAL DOMINANT. Identifiers: Orphanet 63, Orphanet 88918, MedGen C5882663, MONDO:0007086, OMIM 104200.
Alport syndrome 3b, autosomal recessive. Identifiers: MedGen C5882699, MONDO:0957811, OMIM 620536.
Hematuria, benign familial, 2 (BFH2). Identifiers: MedGen C5830421, MONDO:0958186, OMIM 620320.

Submissions (4):

Division of Genetic & Genomic Pathology, Hong Kong Children's Hospital
Classification: Likely pathogenic for Autosomal dominant Alport syndrome. Last evaluated: 2025-07-15. Review status: criteria provided, single submitter. Criteria: ACMG Guidelines, 2015. Collection method: clinical testing. Allele origin: germline. Affected: yes.
Comment: COL4A3 c.324+1G>A is a splicing variant located in intron 5 (out of 52 exons) of the gene affecting the canonical donor splice site. This variant is absent in population control databases (gnomAD v4.1.0 and gnomAD v2.1.1). It has been reported in an individual with chronic glomerulonephritis (PMID: 31328266) and classified as likely pathogenic by a single submitter in ClinVar (VCV001465966.6). Loss-of-function variants in COL4A3 are known to be pathogenic (PMID: 26809805). For these reasons, the COL4A3 c.324+1G>A variant is classified as likely pathogenic.

Natera, Inc.
Classification: Likely pathogenic for Alport syndrome. Last evaluated: 2025-02-04. Review status: criteria provided, single submitter. Criteria: Natera Variant Classification Schema (03/2026). Collection method: clinical testing. Allele origin: germline.
Comment: The c.324+1G>A variant in COL4A3 is a canonical splice donor site variant predicted to affect pre-mRNA splicing, which may result in an abnormal transcript and altered protein product. This variant is expected to result in nonsense mediated decay, truncation, or a dysfunctional protein product. This variant is rare in the general population with a frequency below the threshold expected for the associated phenotype(s). This variant has been observed in one or more individuals affected with the associated recessive disease, as either homozygous or compound heterozygous with a second variant (PMID: 31328266). Given the available evidence, this variant is classified as Likely Pathogenic.

Labcorp Genetics (formerly Invitae), Labcorp
Classification: Likely pathogenic. Last evaluated: 2024-04-22. Review status: criteria provided, single submitter. Criteria: Invitae Variant Classification Sherloc (09022015). Collection method: clinical testing. Allele origin: germline.
Comment: This sequence change affects a donor splice site in intron 5 of the COL4A3 gene. It is expected to disrupt RNA splicing. Variants that disrupt the donor or acceptor splice site typically lead to a loss of protein function (PMID: 16199547), and loss-of-function variants in COL4A3 are known to be pathogenic (PMID: 8956999, 24854265, 26809805, 27281700). This variant is not present in population databases (gnomAD no frequency). Disruption of this splice site has been observed in individual(s) with clinical features of COL4A3-related conditions (PMID: 31328266). ClinVar contains an entry for this variant (Variation ID: 1465966). Algorithms developed to predict the effect of sequence changes on RNA splicing suggest that this variant may disrupt the consensus splice site. In summary, the currently available evidence indicates that the variant is pathogenic, but additional data are needed to prove that conclusively. Therefore, this variant has been classified as Likely Pathogenic.

Fulgent Genetics
Classification: Likely pathogenic for Autosomal dominant Alport syndrome; Hematuria, benign familial, 2; Alport syndrome 3b, autosomal recessive. Last evaluated: 2024-01-16. Review status: criteria provided, single submitter. Criteria: ACMG Guidelines, 2015. Collection method: clinical testing. Allele origin: germline.

Literature cited by the submitters: PubMed 31328266 (cited by 3 submitters); PubMed 26809805 (cited by Division of Genetic & Genomic Pathology, Hong Kong Children's Hospital and Labcorp Genetics (formerly Invitae), Labcorp); PubMed 16199547 (cited by Labcorp Genetics (formerly Invitae), Labcorp); PubMed 8956999 (cited by Labcorp Genetics (formerly Invitae), Labcorp); PubMed 24854265 (cited by Labcorp Genetics (formerly Invitae), Labcorp); PubMed 27281700 (cited by Labcorp Genetics (formerly Invitae), Labcorp).